The following is an entry in ClinVar:

NM_001042492.3(NF1):c.2763G>A (p.Val921=)

Gene: NF1 (neurofibromin 1; plus strand). Cytogenetic location: 17q11.2.
Variant type: single nucleotide variant.
Coding change: c.2763G>A on transcript NM_001042492.3 (MANE Select); coding-DNA position 2763, G replaced by A.
Protein change: p.Val921=; no amino-acid change (valine 921 retained).
Molecular consequence: synonymous variant.
Genome position (GRCh38, 1-based): chr17:31,229,378, G>A. VCF-style: chr17-31229378-G-A. GRCh37 (hg19) VCF-style: chr17-29556396-G-A.
Other names: c.2763G>A, p.Val921= (NM_000267.4).
Identifiers: ClinVar variation 821777 (VCV000821777.12), dbSNP rs1597715725, ClinGen allele CA499228760.

ClinVar aggregate classification (germline): Conflicting classifications of pathogenicity. Review status: criteria provided, conflicting classifications (1 of 4 stars). 2 submissions from 2 submitters: Uncertain significance (1); Likely benign (1). Last evaluated 2023-12-15.

Conditions:
Neurofibromatosis, type 1 (NF1). Also called: Peripheral type neurofibromatosis; Neurofibromatosis, type I; NEUROFIBROMATOSIS, TYPE I, SOMATIC; VON RECKLINGHAUSEN DISEASE. Identifiers: Orphanet 636, MedGen C0027831, MONDO:0018975, OMIM 162200. Disease mechanism: loss of function.
Hereditary cancer-predisposing syndrome. Also called: Hereditary Cancer Syndrome; Neoplastic Syndromes, Hereditary; Hereditary neoplastic syndrome; Tumor predisposition. Identifiers: Orphanet 140162, MedGen C0027672, MeSH D009386, MONDO:0015356.
Cardiovascular phenotype. Identifiers: MedGen CN230736.

Submissions (2):

Labcorp Genetics (formerly Invitae), Labcorp
Classification: Likely benign for Neurofibromatosis, type 1. Last evaluated: 2023-12-15. Review status: criteria provided, single submitter. Criteria: Invitae Variant Classification Sherloc (09022015). Collection method: clinical testing. Allele origin: germline.

Ambry Genetics
Classification: Uncertain significance for Cardiovascular phenotype; Hereditary cancer-predisposing syndrome. Last evaluated: 2018-08-08. Review status: criteria provided, single submitter. Criteria: Ambry Variant Classification Scheme 2023. Collection method: clinical testing. Allele origin: germline.
Comment: The c.2763G>A variant (also known as p.V921V), located in coding exon 21, results from a G to A substitution at nucleotide position 2763 of the NF1 gene. This nucleotide substitution does not change the amino acid at codon 921. This nucleotide position is highly conserved in available vertebrate species. Using the BDGP and ESEfinder splice site prediction tools, this alteration is predicted to create a new alternate splice donor site; however, direct evidence is unavailable. Since supporting evidence is limited at this time, the clinical significance of this alteration remains unclear.